The following is an entry in ClinVar:

ClinVar aggregate classification (germline): Uncertain significance (1 of 4 stars; one submission).

Submission:

GeneDx
Classification: Uncertain significance. Last evaluated: 2026-09-18. Review status: criteria provided, single submitter. Criteria: GeneDx Variant Classification Process June 2021. Collection method: clinical testing. Allele origin: germline.
Comment: Has not been previously published as pathogenic or benign to our knowledge; Not observed at significant frequency in large population cohorts (gnomAD); In silico analysis supports that this missense variant has a deleterious effect on protein structure/function

NM_002465.4(MYBPC1):c.2018G>T (p.Gly673Val)

Gene: MYBPC1 (myosin binding protein C1; plus strand). Cytogenetic location: 12q23.2.
Variant type: single nucleotide variant.
Coding change: c.2018G>T on transcript NM_002465.4 (MANE Select); coding-DNA position 2018, G replaced by T.
Protein change: p.Gly673Val; replaces glycine 673 with valine.
Molecular consequence: missense variant.
Genome position (GRCh38, 1-based): chr12:101,661,248, G>T. VCF-style: chr12-101661248-G-T. GRCh37 (hg19) VCF-style: chr12-102055026-G-T.
Other names: c.1865G>T, p.Gly622Val (NM_001404680.1, NM_001254722.3); c.1808G>T, p.Gly603Val (NM_001404681.1, NM_001404677.1, NM_001404679.1); c.2018G>T, p.Gly673Val (NM_206819.4, NM_001404675.1); c.1943G>T, p.Gly648Val (NM_206820.4, NM_206821.4, NM_001254718.3 and 1 more transcripts); c.1907G>T, p.Gly636Val (NM_001254720.3); c.1886G>T, p.Gly629Val (NM_001254721.3, NM_001404676.1, NM_001404678.1); c.1904G>T, p.Gly635Val (NM_001254723.3); short protein forms G622V, G629V, G635V, G636V, G648V, G673V, G603V.
Identifiers: ClinVar variation 1314533 (VCV001314533.6), dbSNP rs1896501574, ClinGen allele CA386284233.